The following is an entry in ClinVar:

ClinVar aggregate classification (germline): Uncertain significance (1 of 4 stars; one submission).

Submission:

GeneDx
Classification: Uncertain significance. Last evaluated: 2024-08-21. Review status: criteria provided, single submitter. Criteria: GeneDx Variant Classification Process June 2021. Collection method: clinical testing. Allele origin: germline. Affected: yes.
Comment: Not observed at significant frequency in large population cohorts (gnomAD); In silico analysis supports that this missense variant has a deleterious effect on protein structure/function; Has not been previously published as pathogenic or benign to our knowledge

NM_004958.4(MTOR):c.4762G>A (p.Gly1588Arg)

Genes: MTOR (mechanistic target of rapamycin kinase; minus strand), MTOR-AS1 (MTOR antisense RNA 1; plus strand). Cytogenetic location: 1p36.22.
Variant type: single nucleotide variant.
Coding change: c.4762G>A on transcript NM_004958.4 (MANE Select); coding-DNA position 4762, G replaced by A.
Protein change: p.Gly1588Arg; replaces glycine 1588 with arginine.
Molecular consequence: missense variant.
Genome position (GRCh38, 1-based): chr1:11,144,970, C>T on the plus strand (G>A on the coding strand, the complement: MTOR is on the minus strand). VCF-style: chr1-11144970-C-T. GRCh37 (hg19) VCF-style: chr1-11205027-C-T.
Other names: c.4762G>A, p.Gly1588Arg (NM_001386500.1); c.3514G>A, p.Gly1172Arg (NM_001386501.1); short protein forms G1172R, G1588R.
Identifiers: ClinVar variation 3764487 (VCV003764487.1).
Genomic context (GRCh38, chr1:11,144,970, plus strand): 5'-GAAAAAAGTATGGAAATAAGCCTCAAAAATGACAATGTGCAGAATAGTTGACACTTACCC[C>T]ATATGCCCGACTGTAACTCTCTCCTGCCATCGCAGTTAATTCAGCATCCAGCAGGTCCCT-3'
Protein context (NP_004949.1, residues 1578-1598): MAGESYSRAY[Gly1588Arg]AMVSCHMLSE